The following is an entry in ClinVar:

NM_005902.4(SMAD3):c.1006C>G (p.Pro336Ala)

Gene: SMAD3 (SMAD family member 3; plus strand). Cytogenetic location: 15q22.33.
Variant type: single nucleotide variant.
Coding change: c.1006C>G on transcript NM_005902.4 (MANE Select); coding-DNA position 1006, C replaced by G.
Protein change: p.Pro336Ala; replaces proline 336 with alanine.
Molecular consequence: missense variant. On other transcripts: intron variant (1).
Genome position (GRCh38, 1-based): chr15:67,184,861, C>G. VCF-style: chr15-67184861-C-G. GRCh37 (hg19) VCF-style: chr15-67477199-C-G.
Other names: c.691C>G, p.Pro231Ala (NM_001145102.2, NM_001407016.1); c.874C>G, p.Pro292Ala (NM_001145103.2, NM_001407012.1); c.421C>G, p.Pro141Ala (NM_001145104.2, NM_001407017.1); c.1006C>G, p.Pro336Ala (NM_001407011.1); c.859C>G, p.Pro287Ala (NM_001407014.1); c.559C>G, p.Pro187Ala (NM_001407015.1); c.872-2504C>G (NM_001407013.1); short protein forms P287A, P292A, P141A, P187A, P336A, P231A.
Identifiers: ClinVar variation 2919259 (VCV002919259.4), dbSNP rs769475136, ClinGen allele CA061479.

ClinVar aggregate classification (germline): Uncertain significance. Review status: criteria provided, multiple submitters, no conflicts (2 of 4 stars). 2 submissions from 2 submitters: Uncertain significance (2). Last evaluated 2025-11-10.

Conditions:
Familial thoracic aortic aneurysm and aortic dissection (TAAD). Also called: Thoracic aortic aneurysms and dissections. Identifiers: Orphanet 91387, MedGen C4707243, MONDO:0019625.

Allele frequency attached by ClinVar (database versions not stated): ExAC 0.00001; TOPMed 0.00003.
gnomAD v4.1: 6 of 1,612,818 alleles (0.00037%); highest among the groups gnomAD compares: Admixed American, 0.005%; no homozygotes.

Submissions (2):

Labcorp Genetics (formerly Invitae), Labcorp
Classification: Uncertain significance for Familial thoracic aortic aneurysm and aortic dissection. Last evaluated: 2025-11-10. Review status: criteria provided, single submitter. Criteria: Invitae Variant Classification Sherloc (09022015). Collection method: clinical testing. Allele origin: germline.
Comment: This sequence change replaces proline, which is neutral and non-polar, with alanine, which is neutral and non-polar, at codon 336 of the SMAD3 protein (p.Pro336Ala). This variant is present in population databases (rs769475136, gnomAD 0.01%). This variant has not been reported in the literature in individuals affected with SMAD3-related conditions. ClinVar contains an entry for this variant (Variation ID: 2919259). Invitae Evidence Modeling of protein sequence and biophysical properties (such as structural, functional, and spatial information, amino acid conservation, physicochemical variation, residue mobility, and thermodynamic stability) has been performed for this missense variant. However, the output from this modeling did not meet the statistical confidence thresholds required to predict the impact of this variant on SMAD3 protein function. In summary, the available evidence is currently insufficient to determine the role of this variant in disease. Therefore, it has been classified as a Variant of Uncertain Significance.

Color Diagnostics, LLC DBA Color Health
Classification: Uncertain significance for Familial thoracic aortic aneurysm and aortic dissection. Last evaluated: 2025-07-15. Review status: criteria provided, single submitter. Criteria: ACMG Guidelines, 2015. Collection method: clinical testing. Allele origin: germline.
Comment: This missense variant replaces proline with alanine at codon 336 of the SMAD3 protein. Computational prediction suggests that this variant may have a deleterious impact on protein structure and function. To our knowledge, functional studies have not been reported for this variant. This variant has not been reported in individuals affected with SMAD3-related disorders in the literature. This variant has been identified in 4/251270 chromosomes in the general population by the Genome Aggregation Database (gnomAD). The available evidence is insufficient to determine the role of this variant in disease conclusively. Therefore, this variant is classified as a Variant of Uncertain Significance.